The following is an entry in ClinVar:

ClinVar aggregate classification (germline): Uncertain significance. Review status: criteria provided, multiple submitters, no conflicts (2 of 4 stars). 2 submissions from 2 submitters: Uncertain significance (2). Last evaluated 2024-03-20.

Conditions:
Intellectual developmental disorder with seizures and language delay (IDDSELD). Identifiers: MedGen C5436574, MONDO:0033559, OMIM 619000.
Inborn genetic diseases. Identifiers: MedGen C0950123, MeSH D030342.

gnomAD v4.1: 1 of 1,549,148 alleles (0.000065%); highest among the groups gnomAD compares: Non-Finnish European, 0.000087%; no homozygotes.

Submissions (2):

Ambry Genetics
Classification: Uncertain significance for Inborn genetic diseases. Last evaluated: 2024-03-20. Review status: criteria provided, single submitter. Criteria: Ambry Variant Classification Scheme 2023. Collection method: clinical testing. Allele origin: germline.

Juno Genomics, Hangzhou Juno Genomics, Inc
Classification: Uncertain significance for Intellectual developmental disorder with seizures and language delay. Review status: criteria provided, single submitter. Criteria: ACMG Guidelines, 2015. Collection method: clinical testing. Allele origin: germline.
Comment: Absent from controls (or at extremely low frequency if recessive) in Genome Aggregation Database.;Missense variant in a gene that has a low rate of benign missense variation.

NM_001353345.2(SETD1B):c.130C>T (p.His44Tyr)

Gene: SETD1B (SET domain containing 1B, histone lysine methyltransferase; plus strand). Cytogenetic location: 12q24.31.
Variant type: single nucleotide variant.
Coding change: c.130C>T on transcript NM_001353345.2 (MANE Select); coding-DNA position 130, C replaced by T.
Protein change: p.His44Tyr; replaces histidine 44 with tyrosine.
Molecular consequence: missense variant.
Genome position (GRCh38, 1-based): chr12:121,804,867, C>T. VCF-style: chr12-121804867-C-T. GRCh37 (hg19) VCF-style: chr12-122242773-C-T.
Other names: NM_015048.1:c.130C>T; short protein forms H44Y.
Identifiers: ClinVar variation 3317713 (VCV003317713.3).